The following is an entry in ClinVar:

ClinVar aggregate classification (germline): Uncertain significance (1 of 4 stars; one submission).

Conditions:
Inborn genetic diseases. Identifiers: MedGen C0950123, MeSH D030342.

Submission:

Ambry Genetics
Classification: Uncertain significance for Inborn genetic diseases. Last evaluated: 2025-08-02. Review status: criteria provided, single submitter. Criteria: Ambry Variant Classification Scheme 2023. Collection method: clinical testing. Allele origin: germline.
Comment: The p.L274Q variant (also known as c.821T>A), located in coding exon 7 of the PAX5 gene, results from a T to A substitution at nucleotide position 821. The leucine at codon 274 is replaced by glutamine, an amino acid with dissimilar properties. This amino acid position is conserved. In addition, this alteration is predicted to be deleterious by in silico analysis. Based on the available evidence, the clinical significance of this variant remains unclear.

NM_016734.3(PAX5):c.821T>A (p.Leu274Gln)

Gene: PAX5 (paired box 5; minus strand). Cytogenetic location: 9p13.2.
Variant type: single nucleotide variant.
Coding change: c.821T>A on transcript NM_016734.3 (MANE Select); coding-DNA position 821, T replaced by A.
Protein change: p.Leu274Gln; replaces leucine 274 with glutamine.
Molecular consequence: missense variant. On other transcripts: intron variant (2).
Genome position (GRCh38, 1-based): chr9:36,923,444, A>T on the plus strand (T>A on the coding strand, the complement: PAX5 is on the minus strand). VCF-style: chr9-36923444-A-T. GRCh37 (hg19) VCF-style: chr9-36923441-A-T.
Other names: c.821T>A, p.Leu274Gln (NM_001280547.2, NM_001280548.2, NM_001280552.2); c.497T>A, p.Leu166Gln (NM_001280551.2, NM_001280556.2); c.692T>A, p.Leu231Gln (NM_001280553.2, NM_001280554.2); c.623T>A, p.Leu208Gln (NM_001280555.2); c.780+43105T>A (NM_001280550.2, NM_001280549.2); short protein forms L231Q, L208Q, L166Q, L274Q.
Identifiers: ClinVar variation 4131420 (VCV004131420.1).